The following is an entry in ClinVar:

NM_000153.4(GALC):c.957T>A (p.Tyr319Ter)

Gene: GALC (galactosylceramidase; minus strand). Cytogenetic location: 14q31.3.
Variant type: single nucleotide variant.
Coding change: c.957T>A on transcript NM_000153.4 (MANE Select); coding-DNA position 957, T replaced by A.
Protein change: p.Tyr319Ter; replaces tyrosine 319 with a stop codon.
Molecular consequence: nonsense.
Genome position (GRCh38, 1-based): chr14:87,965,581, A>T on the plus strand (T>A on the coding strand, the complement: GALC is on the minus strand). VCF-style: chr14-87965581-A-T. GRCh37 (hg19) VCF-style: chr14-88431925-A-T.
Other names: c.888T>A, p.Tyr296Ter (NM_001201401.2); c.879T>A, p.Tyr293Ter (NM_001201402.2); short protein forms Y293*, Y296*, Y319*.
Identifiers: ClinVar variation 1724409 (VCV001724409.2), dbSNP rs1158171614, ClinGen allele CA390747565.
Genomic context (GRCh38, chr14:87,965,581, plus strand): 5'-AGATTCTACCACGTAGTGCCCACTCCATGGCTCCTGGGCCGTCATCAACCCGCATCTCCC[A>T]TAAGGCAACTGTTCATAGTAACTAGCCACTAAATTCCATGCGATTGTGCTAAAAGATTTG-3'

ClinVar aggregate classification (germline): Likely pathogenic (1 of 4 stars; one submission).

Conditions:
Galactosylceramide beta-galactosidase deficiency. Also called: GALACTOCEREBROSIDASE DEFICIENCY; GALC DEFICIENCY; GLOBOID CELL LEUKOENCEPHALOPATHY; Leukodystrophy, Globoid Cell; Krabbe Disease. Identifiers: Orphanet 487, MedGen C0023521, MONDO:0009499, OMIM 245200.

Submission:

Myriad Genetics, Inc.
Classification: Likely pathogenic for Galactosylceramide beta-galactosidase deficiency. Last evaluated: 2022-02-12. Review status: criteria provided, single submitter. Criteria: Myriad Women's Health Autosomal Recessive and X-Linked Classification Criteria (2021). Collection method: clinical testing. Allele origin: unknown.
Comment: NM_000153.3(GALC):c.957T>A(Y319*) is expected to be pathogenic in the context of Krabbe disease. This variant is predicted to lead to an abnormal or absent protein product due to the creation of a premature termination codon in GALC, a gene where loss-of-function variants are known to be pathogenic. Please note: this variant was assessed in the context of healthy population screening.